The following is an entry in ClinVar:

ClinVar aggregate classification (germline): Uncertain significance (0 of 4 stars; one submission).

Conditions:
SIM1-related disorder. Also called: SIM1-related condition; SIM1-related disorders.

gnomAD v4.1: 2 of 1,613,918 alleles (0.00012%); highest among the groups gnomAD compares: Non-Finnish European, 0.000085%; no homozygotes.

Submission:

PreventionGenetics, part of Exact Sciences
Classification: Uncertain significance for SIM1-related condition. Last evaluated: 2024-03-12. Review status: no assertion criteria provided. Collection method: clinical testing. Allele origin: germline.
Comment: The SIM1 c.443C>T variant is predicted to result in the amino acid substitution p.Ser148Phe. To our knowledge, this variant has not been reported in the literature or in a large population database, indicating this variant is rare. At this time, the clinical significance of this variant is uncertain due to the absence of conclusive functional and genetic evidence.

NM_005068.3(SIM1):c.443C>T (p.Ser148Phe)

Gene: SIM1 (SIM bHLH transcription factor 1; minus strand). Cytogenetic location: 6q16.3.
Variant type: single nucleotide variant.
Coding change: c.443C>T on transcript NM_005068.3 (MANE Select); coding-DNA position 443, C replaced by T.
Protein change: p.Ser148Phe; replaces serine 148 with phenylalanine.
Molecular consequence: missense variant.
Genome position (GRCh38, 1-based): chr6:100,449,605, G>A on the plus strand (C>T on the coding strand, the complement: SIM1 is on the minus strand). VCF-style: chr6-100449605-G-A. GRCh37 (hg19) VCF-style: chr6-100897481-G-A.
Other names: c.443C>T, p.Ser148Phe (NM_001374769.1); short protein forms S148F.
Identifiers: ClinVar variation 3355602 (VCV003355602.1).
Genomic context (GRCh38, chr6:100,449,605, plus strand): 5'-GCGGACTGCGATGGGCCTGAGCGTCGCAGGCATGTGTCTACCTTACCCTGCACGAAGTGA[G>A]AGTGGTAGGGTTGATGGGCGGTGAGCACCGCCGTCATCTCGTCGTGGTCTGCCGGGTGAA-3'
Protein context (NP_005059.2, residues 138-158): AVLTAHQPYH[Ser148Phe]HFVQEYEIER